The following is an entry in ClinVar:

NM_001041.4(SI):c.3629dup (p.His1210fs)

Gene: SI (sucrase-isomaltase; minus strand). Cytogenetic location: 3q26.1.
Variant type: Duplication.
Coding change: c.3629dup on transcript NM_001041.4 (MANE Select); coding-DNA position 3629, one base duplicated (A; older notation c.3629dupA).
Protein change: p.His1210fs; shifts the reading frame from histidine 1210.
Molecular consequence: frameshift variant.
Genome position (GRCh38, 1-based): chr3:165,017,765, T duplicated on the plus strand (A on the coding strand, the reverse complement: SI is on the minus strand). VCF-style (leftmost placement, unchanged base first): chr3-165017764-A-AT. GRCh37 (hg19) VCF-style: chr3-164735552-A-AT.
Other names: short protein forms H1210fs.
Identifiers: ClinVar variation 3588800 (VCV003588800.2).

ClinVar aggregate classification (germline): Pathogenic/Likely pathogenic. Review status: criteria provided, multiple submitters, no conflicts (2 of 4 stars). 2 submissions from 2 submitters: Pathogenic (1); Likely pathogenic (1). Last evaluated 2025-04-28.

Conditions:
Sucrase-isomaltase deficiency (CSID). Also called: SI DEFICIENCY; Deficiency of isomaltase; Congenital sucrose isomaltose malabsorption; Sucrose isomaltose enzyme deficiency. Identifiers: Orphanet 35122, MedGen C1283620, MONDO:0009114, OMIM 222900.

Submissions (2):

Labcorp Genetics (formerly Invitae), Labcorp
Classification: Pathogenic. Last evaluated: 2025-04-28. Review status: criteria provided, single submitter. Criteria: Invitae Variant Classification Sherloc (09022015). Collection method: clinical testing. Allele origin: germline.
Comment: This sequence change creates a premature translational stop signal (p.His1210Glnfs*2) in the SI gene. It is expected to result in an absent or disrupted protein product. Loss-of-function variants in SI are known to be pathogenic (PMID: 16329100, 23103650, 25452324). This variant is present in population databases (rs754541598, gnomAD 0.01%). This variant has not been reported in the literature in individuals affected with SI-related conditions. ClinVar contains an entry for this variant (Variation ID: 3588800). For these reasons, this variant has been classified as Pathogenic.

Fulgent Genetics
Classification: Likely pathogenic for Sucrase-isomaltase deficiency. Last evaluated: 2024-03-26. Review status: criteria provided, single submitter. Criteria: ACMG Guidelines, 2015. Collection method: clinical testing. Allele origin: germline.

Literature cited by the submitters: PubMed 16329100 (cited by Labcorp Genetics (formerly Invitae), Labcorp); PubMed 23103650 (cited by Labcorp Genetics (formerly Invitae), Labcorp); PubMed 25452324 (cited by Labcorp Genetics (formerly Invitae), Labcorp).